The following is an entry in ClinVar:

ClinVar aggregate classification (germline): Uncertain significance (1 of 4 stars; one submission).

Conditions:
Bloom syndrome (BLM). Also called: Bloom-Torre-Machacek syndrome. Identifiers: Orphanet 125, MedGen C0005859, MONDO:0008876, OMIM 210900.

gnomAD v4.1: 1 of 1,614,204 alleles (0.000062%); no homozygotes.

Submission:

Labcorp Genetics (formerly Invitae), Labcorp
Classification: Uncertain significance for Bloom syndrome. Last evaluated: 2022-08-04. Review status: criteria provided, single submitter. Criteria: Invitae Variant Classification Sherloc (09022015). Collection method: clinical testing. Allele origin: germline.
Comment: This variant has not been reported in the literature in individuals affected with BLM-related conditions. This variant is not present in population databases (gnomAD no frequency). This sequence change replaces lysine, which is basic and polar, with asparagine, which is neutral and polar, at codon 1338 of the BLM protein (p.Lys1338Asn). Algorithms developed to predict the effect of missense changes on protein structure and function (SIFT, PolyPhen-2, Align-GVGD) all suggest that this variant is likely to be tolerated. In summary, the available evidence is currently insufficient to determine the role of this variant in disease. Therefore, it has been classified as a Variant of Uncertain Significance.

NM_000057.4(BLM):c.4014G>C (p.Lys1338Asn)

Gene: BLM (BLM RecQ like helicase; plus strand). Cytogenetic location: 15q26.1.
Variant type: single nucleotide variant.
Coding change: c.4014G>C on transcript NM_000057.4 (MANE Select); coding-DNA position 4014, G replaced by C.
Protein change: p.Lys1338Asn; replaces lysine 1338 with asparagine.
Molecular consequence: missense variant.
Genome position (GRCh38, 1-based): chr15:90,811,344, G>C. VCF-style: chr15-90811344-G-C. GRCh37 (hg19) VCF-style: chr15-91354574-G-C.
Other names: c.4014G>C, p.Lys1338Asn (NM_001287246.2); c.3621G>C, p.Lys1207Asn (NM_001287247.2); c.2889G>C, p.Lys963Asn (NM_001287248.2); short protein forms K1207N, K1338N, K963N.
Identifiers: ClinVar variation 2012679 (VCV002012679.4), dbSNP rs2151199915, ClinGen allele CA393851257.